The following is an entry in ClinVar:

ClinVar aggregate classification (germline): Uncertain significance (1 of 4 stars; one submission).

Conditions:
Cardiomyopathy (CMYO). Also called: Cardiomyopathies. Identifiers: Orphanet 167848, MedGen C0878544, MONDO:0004994, HP:0001638. Inheritance: Various modes of inheritance.

gnomAD v4.1: 1 of 1,613,312 alleles (0.000062%); highest among the groups gnomAD compares: Non-Finnish European, 0.000085%; no homozygotes.

Submission:

Color Diagnostics, LLC DBA Color Health
Classification: Uncertain significance for Cardiomyopathy. Last evaluated: 2025-06-09. Review status: criteria provided, single submitter. Criteria: ACMG Guidelines, 2015. Collection method: clinical testing. Allele origin: germline.
Comment: This missense variant replaces alanine with threonine at codon 1522 of the RYR2 protein. Computational prediction suggests that this variant may not impact protein structure and function. To our knowledge, functional studies have not been reported for this variant. This variant has not been reported in individuals affected with RYR2-related disorders in the literature. This variant has been identified in 1/248136 chromosomes in the general population by the Genome Aggregation Database (gnomAD). The available evidence is insufficient to determine the role of this variant in disease conclusively. Therefore, this variant is classified as a Variant of Uncertain Significance.

NM_001035.3(RYR2):c.4564G>A (p.Ala1522Thr)

Gene: RYR2 (ryanodine receptor 2; plus strand). Cytogenetic location: 1q43.
Variant type: single nucleotide variant.
Coding change: c.4564G>A on transcript NM_001035.3 (MANE Select); coding-DNA position 4564, G replaced by A.
Protein change: p.Ala1522Thr; replaces alanine 1522 with threonine.
Molecular consequence: missense variant.
Genome position (GRCh38, 1-based): chr1:237,595,625, G>A. VCF-style: chr1-237595625-G-A. GRCh37 (hg19) VCF-style: chr1-237758925-G-A.
Other names: short protein forms A1522T.
Identifiers: ClinVar variation 4757197 (VCV004757197.1).